The following is an entry in ClinVar:

ClinVar aggregate classification (germline): Likely benign (0 of 4 stars; one submission).

Conditions:
H19-related disorder. Also called: H19-related condition.

Submission:

PreventionGenetics, part of Exact Sciences
Classification: Likely benign for H19-related condition. Last evaluated: 2024-09-04. Review status: no assertion criteria provided. Collection method: clinical testing. Allele origin: germline.
Comment: This variant is classified as likely benign based on ACMG/AMP sequence variant interpretation guidelines (Richards et al. 2015 PMID: 25741868, with internal and published modifications).

NC_000011.10:g.2002872T>G

Genes: H19 (H19 imprinted maternally expressed transcript; minus strand), H19-ICR (H19/IGF2 imprinting control region; plus strand), MRPL23 (mitochondrial ribosomal protein L23; plus strand). Cytogenetic location: 11p15.5.
Variant type: single nucleotide variant.
Molecular consequence: intron variant (on NM_001400176.1).
Genome position: GRCh38 VCF-style: chr11-2002872-T-G. GRCh37 (hg19) VCF-style: chr11-2024102-T-G.
Other names: c.498-8669T>G (NM_001400176.1).
Identifiers: ClinVar variation 3349415 (VCV003349415.1).
Genomic context (GRCh38, chr11:2,002,872, plus strand): 5'-ATTGTCCCCCAAGCATCTCCTCCAATCTCCCCAACCTTCAACAATGCACCCTGGGGTGAA[T>G]CAAACACATAGCCCGATGTTAGTCGCATGAGTGTCTATCTCTGACAACCCTCGGGAACCA-3'